The following is an entry in ClinVar:

ClinVar aggregate classification (germline): Uncertain significance (1 of 4 stars; one submission).

Submission:

GeneDx
Classification: Uncertain significance. Last evaluated: 2019-05-08. Review status: criteria provided, single submitter. Criteria: GeneDx Variant Classification Process June 2021. Collection method: clinical testing. Allele origin: germline. Affected: yes.
Comment: Has not been previously published as pathogenic or benign to our knowledge; In silico analysis, which includes protein predictors and evolutionary conservation, supports a deleterious effect

NM_001084.5(PLOD3):c.568_570delinsAAT (p.Asp190Asn)

Gene: PLOD3 (procollagen-lysine,2-oxoglutarate 5-dioxygenase 3; minus strand). Cytogenetic location: 7q22.1.
Variant type: Indel.
Coding change: c.568_570delinsAAT on transcript NM_001084.5 (MANE Select); coding-DNA positions 568 to 570, GAC replaced by AAT.
Protein change: p.Asp190Asn; replaces aspartic acid 190 with asparagine.
Molecular consequence: missense variant.
Genome position (GRCh38, 1-based): chr7:101,215,953-101,215,955, GTC replaced by ATT on the plus strand (GAC replaced by AAT on the coding strand, the reverse complement: PLOD3 is on the minus strand). VCF-style: chr7-101215953-GTC-ATT. GRCh37 (hg19) VCF-style: chr7-100859234-GTC-ATT.
Other names: short protein forms D190N.
Identifiers: ClinVar variation 1316115 (VCV001316115.2), dbSNP rs2116810690, ClinGen allele CA2573052772.